The following is an entry in ClinVar:

ClinVar aggregate classification (germline): Uncertain significance (1 of 4 stars; one submission).

Conditions:
Hereditary cancer-predisposing syndrome. Also called: Neoplastic Syndromes, Hereditary; Tumor predisposition; Hereditary Cancer Syndrome; Hereditary neoplastic syndrome. Identifiers: Orphanet 140162, MedGen C0027672, MeSH D009386, MONDO:0015356.

Submission:

Color Diagnostics, LLC DBA Color Health
Classification: Uncertain significance for Hereditary cancer-predisposing syndrome. Last evaluated: 2024-03-06. Review status: criteria provided, single submitter. Criteria: ACMG Guidelines, 2015. Collection method: clinical testing. Allele origin: germline.
Comment: This missense variant replaces alanine with valine at codon 1305 of the APC protein. Computational prediction suggests that this variant may not impact protein structure and function (internally defined REVEL score threshold <= 0.5, PMID: 27666373). To our knowledge, functional studies have not been reported for this variant. This variant has not been reported in individuals affected with APC-related disorders in the literature. This variant has not been identified in the general population by the Genome Aggregation Database (gnomAD). The available evidence is insufficient to determine the role of this variant in disease conclusively. Therefore, this variant is classified as a Variant of Uncertain Significance.

NM_000038.6(APC):c.3914C>T (p.Ala1305Val)

Gene: APC (APC regulator of Wnt signaling pathway; plus strand). Cytogenetic location: 5q22.2.
Variant type: single nucleotide variant.
Coding change: c.3914C>T on transcript NM_000038.6 (MANE Select); coding-DNA position 3914, C replaced by T.
Protein change: p.Ala1305Val; replaces alanine 1305 with valine.
Molecular consequence: missense variant. On other transcripts: non-coding transcript variant (2).
Genome position (GRCh38, 1-based): chr5:112,839,508, C>T. VCF-style: chr5-112839508-C-T. GRCh37 (hg19) VCF-style: chr5-112175205-C-T.
Other names: c.3914C>T, p.Ala1305Val (NM_001127510.3, NM_001354895.2, NM_001407450.1); c.3860C>T, p.Ala1287Val (NM_001127511.3); c.3968C>T, p.Ala1323Val (NM_001354896.2, NM_001407447.1, NM_001407448.1 and 1 more transcripts); c.3944C>T, p.Ala1315Val (NM_001354897.2); c.3839C>T, p.Ala1280Val (NM_001354898.2); c.3830C>T, p.Ala1277Val (NM_001354899.2); c.3791C>T, p.Ala1264Val (NM_001354900.2); c.3737C>T, p.Ala1246Val (NM_001354901.2, NM_001407453.1); and 11 more; short protein forms A1222V, A1298V, A1204V, A1277V, A1323V, A1022V, A1179V, A1246V.
Identifiers: ClinVar variation 2774987 (VCV002774987.2), dbSNP rs1554085389, ClinGen allele CA16029922.